The following is an entry in ClinVar:

ClinVar aggregate classification (germline): Pathogenic. Review status: criteria provided, multiple submitters, no conflicts (2 of 4 stars). 2 submissions from 2 submitters: Pathogenic (2). Last evaluated 2025-12-16.

Conditions:
Familial adenomatous polyposis 4 (FAP4). Also called: MSH3-related attenuated familial adenomatous polyposis. Identifiers: Orphanet 480536, MedGen C4310719, MONDO:0044300, OMIM 617100.

Submissions (2):

Labcorp Genetics (formerly Invitae), Labcorp
Classification: Pathogenic. Last evaluated: 2025-12-16. Review status: criteria provided, single submitter. Criteria: Invitae Variant Classification Sherloc (09022015). Collection method: clinical testing. Allele origin: germline.
Comment: This sequence change creates a premature translational stop signal (p.Gln1024*) in the MSH3 gene. It is expected to result in an absent or disrupted protein product. Loss-of-function variants in MSH3 are known to be pathogenic (PMID: 27476653, 37402566). This variant is not present in population databases (gnomAD no frequency). This variant has not been reported in the literature in individuals affected with MSH3-related conditions. ClinVar contains an entry for this variant (Variation ID: 3652054). For these reasons, this variant has been classified as Pathogenic.

Myriad Genetics, Inc.
Classification: Pathogenic for Familial adenomatous polyposis 4. Last evaluated: 2025-01-23. Review status: criteria provided, single submitter. Criteria: Myriad Autosomal Dominant, Autosomal Recessive and X-Linked Classification Criteria (2023). Collection method: clinical testing. Allele origin: unknown.
Comment: This variant is considered pathogenic. This variant creates a termination codon and is predicted to result in premature protein truncation.

Literature cited by the submitters: PubMed 27476653 (cited by Labcorp Genetics (formerly Invitae), Labcorp); PubMed 37402566 (cited by Labcorp Genetics (formerly Invitae), Labcorp).

NM_002439.5(MSH3):c.3070C>T (p.Gln1024Ter)

Gene: MSH3 (mutS homolog 3; plus strand). Cytogenetic location: 5q14.1.
Variant type: single nucleotide variant.
Coding change: c.3070C>T on transcript NM_002439.5 (MANE Select); coding-DNA position 3070, C replaced by T.
Protein change: p.Gln1024Ter; replaces glutamine 1024 with a stop codon.
Molecular consequence: nonsense.
Genome position (GRCh38, 1-based): chr5:80,864,882, C>T. VCF-style: chr5-80864882-C-T. GRCh37 (hg19) VCF-style: chr5-80160701-C-T.
Other names: short protein forms Q1024*.
Identifiers: ClinVar variation 3652054 (VCV003652054.3).